The following is an entry in ClinVar:

NM_001128425.2(MUTYH):c.180G>A (p.Glu60=)

Gene: MUTYH (mutY DNA glycosylase; minus strand). Cytogenetic location: 1p34.1.
Variant type: single nucleotide variant.
Coding change: c.180G>A on transcript NM_001128425.2 (MANE Plus Clinical); coding-DNA position 180, G replaced by A.
Protein change: p.Glu60=; no amino-acid change (glutamic acid 60 retained).
Molecular consequence: synonymous variant. On other transcripts: intron variant (24).
Genome position (GRCh38, 1-based): chr1:45,333,581, C>T on the plus strand (G>A on the coding strand, the complement: MUTYH is on the minus strand). VCF-style: chr1-45333581-C-T. GRCh37 (hg19) VCF-style: chr1-45799253-C-T.
Other names: c.129G>A, p.Glu43= (NM_001293191.2, NM_001407077.1); c.171G>A, p.Glu57= (NM_001407069.1, NM_012222.3); c.12G>A, p.Glu4= (NM_001407075.1); c.138G>A, p.Glu46= (NM_001407083.1, NM_001407085.1); c.116-20G>A (NM_001407072.1, NM_001048171.2, NM_001407070.1 and 7 more transcripts); c.-92-84G>A (NM_001350651.2, NM_001407082.1); c.-97-84G>A (NM_001293192.2, NM_001293196.2, NM_001407091.1); c.-156-20G>A (NM_001350650.2); and 4 more.
Identifiers: ClinVar variation 2127141 (VCV002127141.7), dbSNP rs2524289383, ClinGen allele CA417702218.
Genomic context (GRCh38, chr1:45,333,581, plus strand): 5'-AGAGGCCTGCAATACCACCTCTTCCGGCTGCCTGGCCAGGCCTGCTGGGGCCCCAGGACA[C>T]TCAGCAATCATCCCTGCACAGGCTGTGCATCAGGGTCTTGGGACACAGCAGCCTGTGGCA-3'
Protein context (NP_001121897.1, residues 50-70): ACDACAGMIA[Glu60=]CPGAPAGLAR

ClinVar aggregate classification (germline): Likely benign. Review status: criteria provided, multiple submitters, no conflicts (2 of 4 stars). 4 submissions from 4 submitters: Likely benign (4). Last evaluated 2026-02-24.

Conditions:
Hereditary cancer-predisposing syndrome. Also called: Neoplastic Syndromes, Hereditary; Tumor predisposition; Hereditary Cancer Syndrome; Hereditary neoplastic syndrome. Identifiers: Orphanet 140162, MedGen C0027672, MeSH D009386, MONDO:0015356.
Familial adenomatous polyposis 2. Also called: MUTYH Polyposis; COLORECTAL ADENOMATOUS POLYPOSIS, AUTOSOMAL RECESSIVE; ADENOMAS, MULTIPLE COLORECTAL, AUTOSOMAL RECESSIVE; MUTYH-associated polyposis; MYH-associated polyposis; MUTYH-related attenuated familial adenomatous polyposis. Identifiers: Orphanet 220460, Orphanet 247798, MedGen C3272841, MONDO:0012041, OMIM 608456.

Submissions (4):

Ambry Genetics
Classification: Likely benign for Hereditary cancer-predisposing syndrome. Last evaluated: 2026-02-24. Review status: criteria provided, single submitter. Criteria: Ambry Variant Classification Scheme 2023. Collection method: clinical testing. Allele origin: germline.

Labcorp Genetics (formerly Invitae), Labcorp
Classification: Likely benign for Familial adenomatous polyposis 2. Last evaluated: 2025-08-11. Review status: criteria provided, single submitter. Criteria: Invitae Variant Classification Sherloc (09022015). Collection method: clinical testing. Allele origin: germline.

All of Us Research Program, National Institutes of Health
Classification: Likely benign for Familial adenomatous polyposis 2. Last evaluated: 2024-02-22. Review status: criteria provided, single submitter. Criteria: ACMG Guidelines, 2015. Collection method: clinical testing. Allele origin: germline. Inheritance: Autosomal recessive inheritance. Observed: 1 variant allele, 1 heterozygote.
Comment: This study involves interpretation of variants in research participants for the purpose of population health screening. Participant phenotype was not available at the time of variant classification. Additional details can be found in publication PMID: 35346344, PMCID: PMC8962531

Color Diagnostics, LLC DBA Color Health
Classification: Likely benign for Hereditary cancer-predisposing syndrome. Last evaluated: 2024-02-14. Review status: criteria provided, single submitter. Criteria: ACMG Guidelines, 2015. Collection method: clinical testing. Allele origin: germline.